The following is an entry in ClinVar:

NM_001365276.2(TNXB):c.9694A>G (p.Met3232Val)

Gene: TNXB (tenascin XB; minus strand). Cytogenetic location: 6p21.33.
Variant type: single nucleotide variant.
Coding change: c.9694A>G on transcript NM_001365276.2 (MANE Select); coding-DNA position 9694, A replaced by G.
Protein change: p.Met3232Val; replaces methionine 3232 with valine.
Molecular consequence: missense variant.
Genome position (GRCh38, 1-based): chr6:32,049,333, T>C on the plus strand (A>G on the coding strand, the complement: TNXB is on the minus strand). VCF-style: chr6-32049333-T-C. GRCh37 (hg19) VCF-style: chr6-32017110-T-C.
Other names: c.10435A>G, p.Met3479Val (NM_001428335.1); c.9688A>G, p.Met3230Val (NM_019105.8); short protein forms M3230V, M3232V, M3479V.
Identifiers: ClinVar variation 3370219 (VCV003370219.3).

ClinVar aggregate classification (germline): Uncertain significance. Review status: criteria provided, multiple submitters, no conflicts (2 of 4 stars). 3 submissions from 3 submitters: Uncertain significance (3). Last evaluated 2025-02-05.

Conditions:
Cardiovascular phenotype. Identifiers: MedGen CN230736.

gnomAD v4.1: 7 of 1,612,380 alleles (0.00043%); highest among the groups gnomAD compares: Admixed American, 0.0017%; no homozygotes.

Submissions (3):

Women's Health and Genetics/Laboratory Corporation of America, LabCorp
Classification: Uncertain significance. Last evaluated: 2025-02-05. Review status: criteria provided, single submitter. Criteria: LabCorp Variant Classification Summary - May 2015. Collection method: clinical testing. Allele origin: germline.
Comment: Variant summary: TNXB c.9688A>G (p.Met3230Val) results in a conservative amino acid change located in the Fibronectin type III (IPR003961) of the encoded protein sequence. Four of five in-silico tools predict a benign effect of the variant on protein function. The variant allele was found at a frequency of 8.1e-06 in 247066 control chromosomes. The available data on variant occurrences in the general population are insufficient to allow any conclusion about variant significance. To our knowledge, no occurrence of c.9688A>G in individuals affected with Ehlers-Danlos syndrome due to tenascin-X deficiency and no experimental evidence demonstrating its impact on protein function have been reported. ClinVar contains an entry for this variant (Variation ID: 3370219). Based on the evidence outlined above, the variant was classified as uncertain significance.

Ambry Genetics
Classification: Uncertain significance for Cardiovascular phenotype. Last evaluated: 2024-08-07. Review status: criteria provided, single submitter. Criteria: Ambry Variant Classification Scheme 2023. Collection method: clinical testing. Allele origin: germline.
Comment: The p.M3230V variant (also known as c.9688A>G), located in coding exon 27 of the TNXB gene, results from an A to G substitution at nucleotide position 9688. The methionine at codon 3230 is replaced by valine, an amino acid with highly similar properties. This amino acid position is conserved. In addition, this alteration is predicted to be tolerated by in silico analysis. Based on the available evidence, the clinical significance of this variant remains unclear.

GeneDx
Classification: Uncertain significance. Last evaluated: 2023-12-26. Review status: criteria provided, single submitter. Criteria: GeneDx Variant Classification Process June 2021. Collection method: clinical testing. Allele origin: germline. Affected: yes.
Comment: Has not been previously published as pathogenic or benign to our knowledge; Not observed at significant frequency in large population cohorts (gnomAD); In silico analysis supports that this missense variant does not alter protein structure/function